The following is an entry in ClinVar:

NM_003072.5(SMARCA4):c.2174C>G (p.Ala725Gly)

Gene: SMARCA4 (SWI/SNF related BAF chromatin remodeling complex subunit ATPase 4; plus strand). Cytogenetic location: 19p13.2.
Variant type: single nucleotide variant.
Coding change: c.2174C>G on transcript NM_003072.5 (MANE Select); coding-DNA position 2174, C replaced by G.
Protein change: p.Ala725Gly; replaces alanine 725 with glycine.
Molecular consequence: missense variant. On other transcripts: non-coding transcript variant (1).
Genome position (GRCh38, 1-based): chr19:11,010,431, C>G. VCF-style: chr19-11010431-C-G. GRCh37 (hg19) VCF-style: chr19-11121107-C-G.
Other names: c.2174C>G, p.Ala725Gly (NM_001128844.3, NM_001128845.2, NM_001128846.2 and 6 more transcripts); short protein forms A725G.
Identifiers: ClinVar variation 3798923 (VCV003798923.1).

ClinVar aggregate classification (germline): Uncertain significance (1 of 4 stars; one submission).

Conditions:
Hereditary cancer-predisposing syndrome. Also called: Neoplastic Syndromes, Hereditary; Hereditary Cancer Syndrome; Tumor predisposition; Hereditary neoplastic syndrome. Identifiers: Orphanet 140162, MedGen C0027672, MeSH D009386, MONDO:0015356.

Submission:

Ambry Genetics
Classification: Uncertain significance for Hereditary cancer-predisposing syndrome. Last evaluated: 2025-02-22. Review status: criteria provided, single submitter. Criteria: Ambry Variant Classification Scheme 2023. Collection method: clinical testing. Allele origin: germline.
Comment: The p.A725G variant (also known as c.2174C>G), located in coding exon 14 of the SMARCA4 gene, results from a C to G substitution at nucleotide position 2174. The alanine at codon 725 is replaced by glycine, an amino acid with similar properties. This amino acid position is conserved. In addition, this alteration is predicted to be tolerated by in silico analysis. Based on the available evidence, the clinical significance of this variant remains unclear.